The following is an entry in ClinVar:

ClinVar aggregate classification (germline): Uncertain significance. Review status: criteria provided, single submitter (1 of 4 stars). 2 submissions from 2 submitters: Uncertain significance (1). 1 of the submissions does not count toward it. Last evaluated 2025-08-01.

Conditions:
SPTBN5-related disorder. Also called: SPTBN5-related condition.

Allele frequency attached by ClinVar (database versions not stated): ESP Exome Variant Server 0.00008; gnomAD 0.00058; TOPMed 0.00085; ExAC 0.00108.
gnomAD v4.1: 594 of 1,590,028 alleles (0.037%); highest among the groups gnomAD compares: Admixed American, 0.66%; 1 homozygote.

Submissions (2):

Ambry Genetics
Classification: Uncertain significance. Last evaluated: 2025-08-01. Review status: criteria provided, single submitter. Criteria: Ambry Variant Classification Scheme 2023. Collection method: clinical testing. Allele origin: germline.

PreventionGenetics, part of Exact Sciences
Classification: Benign for SPTBN5-related condition. Last evaluated: 2019-04-29. Review status: no assertion criteria provided. Collection method: clinical testing. Allele origin: germline. Not counted in ClinVar's aggregate classification.
Comment: This variant is classified as benign based on ACMG/AMP sequence variant interpretation guidelines (Richards et al. 2015 PMID: 25741868, with internal and published modifications).

NM_016642.4(SPTBN5):c.10243C>T (p.Arg3415Cys)

Gene: SPTBN5 (spectrin beta, non-erythrocytic 5; minus strand). Cytogenetic location: 15q15.1.
Variant type: single nucleotide variant.
Coding change: c.10243C>T on transcript NM_016642.4 (MANE Select); coding-DNA position 10243, C replaced by T.
Protein change: p.Arg3415Cys; replaces arginine 3415 with cysteine.
Molecular consequence: missense variant.
Genome position (GRCh38, 1-based): chr15:41,852,928, G>A on the plus strand (C>T on the coding strand, the complement: SPTBN5 is on the minus strand). VCF-style: chr15-41852928-G-A. GRCh37 (hg19) VCF-style: chr15-42145126-G-A.
Other names: c.10138C>T (NM_016642.2); short protein forms R3415C.
Identifiers: ClinVar variation 3041877 (VCV003041877.3), dbSNP rs201626170, ClinGen allele CA7501113.